The following is an entry in ClinVar:

NM_004994.3(MMP9):c.1420dup (p.Thr474fs)

Gene: MMP9 (matrix metallopeptidase 9; plus strand). Cytogenetic location: 20q13.12.
Variant type: Duplication.
Coding change: c.1420dup on transcript NM_004994.3 (MANE Select); coding-DNA position 1420, one base duplicated (A; older notation c.1420dupA).
Protein change: p.Thr474fs; shifts the reading frame from threonine 474.
Molecular consequence: frameshift variant.
Genome position (GRCh38, 1-based): chr20:46,013,344, A duplicated. VCF-style (leftmost placement, unchanged base first): chr20-46013343-C-CA. GRCh37 (hg19) VCF-style: chr20-44641982-C-CA.
Other names: short protein forms T474fs.
Identifiers: ClinVar variation 998438 (VCV000998438.9), dbSNP rs765108149, ClinGen allele CA9886741.
Genomic context (GRCh38, chr20:46,013,343, plus strand): 5'-TCCAACCACCACCACACCGCAGCCCACGGCTCCCCCGACGGTCTGCCCCACCGGACCCCC[C>CA]ACTGTCCACCCCTCAGAGCGCCCCACAGCTGGCCCCACAGGTCCCCCCTCAGCTGGCCCC-3'

ClinVar aggregate classification (germline): Uncertain significance (1 of 4 stars; one submission).

Allele frequency attached by ClinVar (database versions not stated): gnomAD 0.00005; gnomAD exomes 0.00005 and 0.00011; TOPMed 0.00005; ExAC 0.00007.

Submission:

Labcorp Genetics (formerly Invitae), Labcorp
Classification: Uncertain significance. Last evaluated: 2025-03-27. Review status: criteria provided, single submitter. Criteria: Invitae Variant Classification Sherloc (09022015). Collection method: clinical testing. Allele origin: germline.
Comment: This sequence change creates a premature translational stop signal (p.Thr474Asnfs*71) in the MMP9 gene. It is expected to result in an absent or disrupted protein product. However, the current clinical and genetic evidence is not sufficient to establish whether loss-of-function variants in MMP9 cause disease. This variant is present in population databases (rs765108149, gnomAD 0.02%). This premature translational stop signal has been observed in individual(s) with congenital anomalies of the kidney and urinary tract (PMID: 26489027). ClinVar contains an entry for this variant (Variation ID: 998438). In summary, the available evidence is currently insufficient to determine the role of this variant in disease. Therefore, it has been classified as a Variant of Uncertain Significance.

Literature cited by the submitters: PubMed 26489027.